The following is an entry in ClinVar:

ClinVar aggregate classification (germline): Benign (1 of 4 stars; one submission).

Allele frequency attached by ClinVar (database versions not stated): 1000 Genomes Project 30x 0.00531; 1000 Genomes Project 0.00579; TOPMed 0.00628; gnomAD 0.00677 and 0.00688.
gnomAD v4.1: 1,047 of 152,240 alleles (0.69%); highest among the groups gnomAD compares: South Asian, 1.1%; 6 homozygotes.

Submission:

CeGaT Center for Human Genetics Tuebingen
Classification: Benign. Last evaluated: 2023-06-01. Review status: criteria provided, single submitter. Criteria: CeGaT Center For Human Genetics Tuebingen Variant Classification Criteria Version 2. Collection method: clinical testing. Allele origin: germline. Affected: yes. Observed: 5 variant alleles.
Comment: SPEG: BS1, BS2

NM_005876.5(SPEG):c.7742-1327G>A

Genes: ASIC4-AS1 (ASIC4 antisense RNA 1; minus strand), SPEG (striated muscle enriched protein kinase; plus strand). Cytogenetic location: 2q35.
Variant type: single nucleotide variant.
Coding change: c.7742-1327G>A on transcript NM_005876.5 (MANE Select); 1327 bases into the intron before coding-DNA position 7742, G replaced by A.
Molecular consequence: intron variant.
Genome position (GRCh38, 1-based): chr2:219,486,867, G>A. VCF-style: chr2-219486867-G-A. GRCh37 (hg19) VCF-style: chr2-220351589-G-A.
Identifiers: ClinVar variation 1701409 (VCV001701409.31), dbSNP rs150186936, ClinGen allele CA65994958.